The following is an entry in ClinVar:

NM_001122764.3(PPOX):c.1099-22C>G

Gene: PPOX (protoporphyrinogen oxidase; plus strand). Cytogenetic location: 1q23.3.
Variant type: single nucleotide variant.
Coding change: c.1099-22C>G on transcript NM_001122764.3 (MANE Select); 22 bases into the intron before coding-DNA position 1099, C replaced by G.
Molecular consequence: intron variant.
Genome position (GRCh38, 1-based): chr1:161,170,598, C>G. VCF-style: chr1-161170598-C-G. GRCh37 (hg19) VCF-style: chr1-161140388-C-G.
Other names: p.?; c.613-22C>G (NM_001350130.2, NM_001350131.2, NM_001365401.1); c.1000-22C>G (NM_001350128.2); c.691-22C>G (NM_001350129.2, NM_001365400.1); c.988-22C>G (NM_001365399.1); c.1099-22C>G (NM_000309.5, NM_001365398.1).
Identifiers: ClinVar variation 4683738 (VCV004683738.1).

ClinVar aggregate classification (germline): Benign (1 of 4 stars; one submission).

Submission:

Mayo Clinic Laboratories, Mayo Clinic
Classification: Benign. Last evaluated: 2024-07-10. Review status: criteria provided, single submitter. Criteria: ACMG Guidelines, 2015. Collection method: clinical testing. Allele origin: germline. Observed: 11 variant alleles.
Comment: BA1, BP4, BP7